The following is an entry in ClinVar:

ClinVar aggregate classification (germline): Benign. Review status: criteria provided, single submitter (1 of 4 stars). 2 submissions from 2 submitters: Benign (1). 1 of the submissions does not count toward it. Last evaluated 2025-10-22.

Conditions:
DMXL2-related disorder. Also called: DMXL2-related condition.

Allele frequency attached by ClinVar (database versions not stated): gnomAD 0.00003 and 0.00011; TOPMed 0.00006; gnomAD exomes 0.00033; ExAC 0.00039; 1000 Genomes Project 30x 0.00094; 1000 Genomes Project 0.00100.
gnomAD v4.1: 250 of 1,614,196 alleles (0.015%); highest among the groups gnomAD compares: South Asian, 0.24%; 2 homozygotes.

Submissions (2):

Labcorp Genetics (formerly Invitae), Labcorp
Classification: Benign. Last evaluated: 2025-10-22. Review status: criteria provided, single submitter. Criteria: Invitae Variant Classification Sherloc (09022015). Collection method: clinical testing. Allele origin: germline.

PreventionGenetics, part of Exact Sciences
Classification: Likely benign for DMXL2-related condition. Last evaluated: 2022-09-08. Review status: no assertion criteria provided. Collection method: clinical testing. Allele origin: germline. Not counted in ClinVar's aggregate classification.
Comment: This variant is classified as likely benign based on ACMG/AMP sequence variant interpretation guidelines (Richards et al. 2015 PMID: 25741868, with internal and published modifications).

NM_001378457.1(DMXL2):c.9044T>C (p.Ile3015Thr)

Gene: DMXL2 (Dmx like 2; minus strand). Cytogenetic location: 15q21.2.
Variant type: single nucleotide variant.
Coding change: c.9044T>C on transcript NM_001378457.1 (MANE Select); coding-DNA position 9044, T replaced by C.
Protein change: p.Ile3015Thr; replaces isoleucine 3015 with threonine.
Molecular consequence: missense variant. On other transcripts: non-coding transcript variant (2).
Genome position (GRCh38, 1-based): chr15:51,449,117, A>G on the plus strand (T>C on the coding strand, the complement: DMXL2 is on the minus strand). VCF-style: chr15-51449117-A-G. GRCh37 (hg19) VCF-style: chr15-51741314-A-G.
Other names: c.8981T>C (NM_001174116.1); c.8981T>C, p.Ile2994Thr (NM_001174116.3); c.7070T>C, p.Ile2357Thr (NM_001174117.3); c.9041T>C, p.Ile3014Thr (NM_001378458.1); c.8756T>C, p.Ile2919Thr (NM_001378459.1); c.6959T>C, p.Ile2320Thr (NM_001378460.1); c.8978T>C, p.Ile2993Thr (NM_015263.5); short protein forms I2320T, I2357T, I2919T, I2993T, I2994T, I3014T, I3015T.
Identifiers: ClinVar variation 1601206 (VCV001601206.10), dbSNP rs555894284, ClinGen allele CA7560835.
Genomic context (GRCh38, chr15:51,449,117, plus strand): 5'-GCACCACAGGAGAAGAGCCGATTGCCCTGGATGATGTCAATCTGCATGACTCCAGCCCCA[A>G]TGTTTCGAAATATGGACTGCTTAGCATGTTCACTTTTAAATGAATGAATTAGGCCATGGC-3'
Protein context (NP_001365386.1, residues 3005-3025): EHAKQSIFRN[Ile3015Thr]GAGVMQIDII